The following is an entry in ClinVar:

NM_016239.4(MYO15A):c.4610AGA[1] (p.Lys1538del)

Gene: MYO15A (myosin XVA; plus strand). Cytogenetic location: 17p11.2.
Variant type: Microsatellite.
Coding change: c.4610AGA[1] on transcript NM_016239.4 (MANE Select); one copy of the 3-base unit AGA starting at c.4610; the reference has two copies in a row; one copy, 3 bases deleted.
Protein change: p.Lys1538del; deletes lysine 1538.
Molecular consequence: inframe deletion.
Genome position (GRCh38, 1-based): chr17:18,136,433-18,136,435, AGA deleted; deleting any 3 consecutive bases within chr17:18,136,430-18,136,435 gives the same sequence; the position shown is the placement nearest the transcript's 3' end. VCF-style (leftmost placement, unchanged base first): chr17-18136429-GAGA-G. GRCh37 (hg19) VCF-style: chr17-18039743-GAGA-G.
Other names: short protein forms K1538del.
Identifiers: ClinVar variation 3346890 (VCV003346890.1).
Genomic context (GRCh38, chr17:18,136,429, plus strand): 5'-GGCAGAGTGGCCAGCCTGATGTCACTCAAGGGCTGTGCCCGTCCCTAGGAGACAATGCGA[GAGA>G]AGATCTTCACGCCCCTAACTGTGGAGAGCGCTGTGGATGCCAGGTGAGGCCACGCCCTCC-3'

ClinVar aggregate classification (germline): Uncertain significance (0 of 4 stars; one submission).

Conditions:
MYO15A-related disorder. Also called: MYO15A-related condition.

Submission:

PreventionGenetics, part of Exact Sciences
Classification: Uncertain significance for MYO15A-related condition. Last evaluated: 2024-08-02. Review status: no assertion criteria provided. Collection method: clinical testing. Allele origin: germline.
Comment: The MYO15A c.4613_4615delAGA variant is predicted to result in an in-frame deletion (p.Lys1538del). To our knowledge, this variant has not been reported in the literature or in a large population database, indicating this variant is rare. At this time, the clinical significance of this variant is uncertain due to the absence of conclusive functional and genetic evidence.